The following is an entry in ClinVar:

ClinVar aggregate classification (germline): Uncertain significance (1 of 4 stars; one submission).

Allele frequency attached by ClinVar (database versions not stated): ExAC 0.00001.

Submission:

Labcorp Genetics (formerly Invitae), Labcorp
Classification: Uncertain significance. Last evaluated: 2022-06-24. Review status: criteria provided, single submitter. Criteria: Invitae Variant Classification Sherloc (09022015). Collection method: clinical testing. Allele origin: germline.
Comment: In summary, the available evidence is currently insufficient to determine the role of this variant in disease. Therefore, it has been classified as a Variant of Uncertain Significance. Algorithms developed to predict the effect of missense changes on protein structure and function (SIFT, PolyPhen-2, Align-GVGD) all suggest that this variant is likely to be disruptive. This variant has not been reported in the literature in individuals affected with ADAMTS10-related conditions. This variant is present in population databases (rs782465453, gnomAD 0.01%). This sequence change replaces arginine, which is basic and polar, with cysteine, which is neutral and slightly polar, at codon 853 of the ADAMTS10 protein (p.Arg853Cys).

NM_030957.4(ADAMTS10):c.2557C>T (p.Arg853Cys)

Gene: ADAMTS10 (ADAM metallopeptidase with thrombospondin type 1 motif 10; minus strand). Cytogenetic location: 19p13.2.
Variant type: single nucleotide variant.
Coding change: c.2557C>T on transcript NM_030957.4 (MANE Select); coding-DNA position 2557, C replaced by T.
Protein change: p.Arg853Cys; replaces arginine 853 with cysteine.
Molecular consequence: missense variant.
Genome position (GRCh38, 1-based): chr19:8,586,225, G>A on the plus strand (C>T on the coding strand, the complement: ADAMTS10 is on the minus strand). VCF-style: chr19-8586225-G-A. GRCh37 (hg19) VCF-style: chr19-8651109-G-A.
Other names: c.1018C>T, p.Arg340Cys (NM_001282352.2); short protein forms R853C, R340C.
Identifiers: ClinVar variation 1922162 (VCV001922162.5), dbSNP rs782465453, ClinGen allele CA9160052.